The following is an entry in ClinVar:

NM_198428.3(BBS9):c.2626A>C (p.Arg876=)

Gene: BBS9 (Bardet-Biedl syndrome 9; plus strand). Cytogenetic location: 7p14.3.
Variant type: single nucleotide variant.
Coding change: c.2626A>C on transcript NM_198428.3 (MANE Select); coding-DNA position 2626, A replaced by C.
Protein change: p.Arg876=; no amino-acid change (arginine 876 retained).
Molecular consequence: synonymous variant. On other transcripts: non-coding transcript variant (3), intron variant (1).
Genome position (GRCh38, 1-based): chr7:33,604,969, A>C. VCF-style: chr7-33604969-A-C. GRCh37 (hg19) VCF-style: chr7-33644581-A-C.
Other names: c.2521A>C, p.Arg841= (NM_001033604.2); c.2611A>C, p.Arg871= (NM_001033605.2); c.2626A>C, p.Arg876= (NM_001348036.1, NM_001348041.4, NM_001348043.3 and 1 more transcripts); c.2077A>C, p.Arg693= (NM_001348037.3); c.2353A>C, p.Arg785= (NM_001348038.3); c.2248A>C, p.Arg750= (NM_001348039.3); c.2506A>C, p.Arg836= (NM_001348040.3, NM_014451.4); c.2491A>C, p.Arg831= (NM_001348042.3); and 4 more.
Identifiers: ClinVar variation 2733094 (VCV002733094.4), dbSNP rs2538380256, ClinGen allele CA454467180.

ClinVar aggregate classification (germline): Likely benign. Review status: criteria provided, single submitter (1 of 4 stars). 2 submissions from 2 submitters: Likely benign (1). 1 of the submissions does not count toward it. Last evaluated 2023-03-08.

Conditions:
BBS9-related disorder. Also called: BBS9-related condition.
Bardet-Biedl syndrome (BBS). Identifiers: Orphanet 110, MedGen C0752166, MONDO:0015229.

Allele frequency attached by ClinVar (database versions not stated): gnomAD exomes below 0.00001.
gnomAD v4.1: 1 of 1,606,880 alleles (0.000062%); highest among the groups gnomAD compares: Admixed American, 0.0017%; no homozygotes.

Submissions (2):

Labcorp Genetics (formerly Invitae), Labcorp
Classification: Likely benign for Bardet-Biedl syndrome. Last evaluated: 2023-03-08. Review status: criteria provided, single submitter. Criteria: Invitae Variant Classification Sherloc (09022015). Collection method: clinical testing. Allele origin: germline.

PreventionGenetics, part of Exact Sciences
Classification: Likely benign for BBS9-related condition. Last evaluated: 2021-08-25. Review status: no assertion criteria provided. Collection method: clinical testing. Allele origin: germline. Not counted in ClinVar's aggregate classification.
Comment: This variant is classified as likely benign based on ACMG/AMP sequence variant interpretation guidelines (Richards et al. 2015 PMID: 25741868, with internal and published modifications).